The following is an entry in ClinVar:

ClinVar aggregate classification (germline): Likely benign (1 of 4 stars; one submission).

Submission:

CeGaT Center for Human Genetics Tuebingen
Classification: Likely benign. Last evaluated: 2023-07-01. Review status: criteria provided, single submitter. Criteria: CeGaT Center For Human Genetics Tuebingen Variant Classification Criteria Version 2. Collection method: clinical testing. Allele origin: germline. Affected: yes. Observed: 10 variant alleles.
Comment: TPP1: BS2

NM_000391.4(TPP1):c.*1216dup

Gene: TPP1 (tripeptidyl peptidase 1; minus strand). Cytogenetic location: 11p15.4.
Variant type: Duplication.
Coding change: c.*1216dup on transcript NM_000391.4 (MANE Select); 1216 bases downstream of the stop codon, one base duplicated (T; older notation c.*1216dupT).
Molecular consequence: 3 prime UTR variant.
Genome position (GRCh38, 1-based): chr11:6,613,330, A duplicated on the plus strand (T on the coding strand, the reverse complement: TPP1 is on the minus strand); the first of 2 consecutive A bases (chr11:6,613,330-6,613,331); duplicating either gives the same sequence. VCF-style (leftmost placement, unchanged base first): chr11-6613329-C-CA. GRCh37 (hg19) VCF-style: chr11-6634560-C-CA.
Identifiers: ClinVar variation 305496 (VCV000305496.29), dbSNP rs575737269, ClinGen allele CA10639079.